The following is an entry in ClinVar:

ClinVar aggregate classification (germline): Uncertain significance. Review status: criteria provided, multiple submitters, no conflicts (2 of 4 stars). 2 submissions from 2 submitters: Uncertain significance (2). Last evaluated 2026-06-22.

Conditions:
Charcot-Marie-Tooth disease type 2. Also called: Charcot-Marie-Tooth type 2. Identifiers: Orphanet 64746, MedGen C0270914, MONDO:0018993.
Charcot-Marie-Tooth disease, axonal, autosomal recessive, type 2a2b;. Also called: Charcot-Marie-Tooth disease, axonal, autosomal recessive, type 2A2B; Charcot-Marie-Tooth disease, axonal, type 2A2B. Identifiers: MedGen C4310725, MONDO:0014906, OMIM 617087.

Allele frequency attached by ClinVar (database versions not stated): TOPMed 0.00001; ESP Exome Variant Server 0.00008.
gnomAD v4.1: 10 of 1,614,246 alleles (0.00062%); highest among the groups gnomAD compares: Non-Finnish European, 0.00076%; no homozygotes.

Submissions (2):

Institute of Human Genetics, University of Leipzig Medical Center
Classification: Uncertain significance for Charcot-Marie-Tooth disease, axonal, autosomal recessive, type 2a2b;. Last evaluated: 2026-06-22. Review status: criteria provided, single submitter. Criteria: ACMG Guidelines, 2015. Collection method: clinical testing. Allele origin: unknown. Inheritance: Autosomal recessive inheritance. Affected: yes.
Comment: Criteria applied: PM2,PP2,PP3

Labcorp Genetics (formerly Invitae), Labcorp
Classification: Uncertain significance for Charcot-Marie-Tooth disease type 2. Last evaluated: 2025-03-31. Review status: criteria provided, single submitter. Criteria: Invitae Variant Classification Sherloc (09022015). Collection method: clinical testing. Allele origin: germline.
Comment: This sequence change replaces threonine, which is neutral and polar, with methionine, which is neutral and non-polar, at codon 580 of the MFN2 protein (p.Thr580Met). This variant is present in population databases (rs150304304, gnomAD 0.002%). This variant has not been reported in the literature in individuals affected with MFN2-related conditions. ClinVar contains an entry for this variant (Variation ID: 3013512). Invitae Evidence Modeling of protein sequence and biophysical properties (such as structural, functional, and spatial information, amino acid conservation, physicochemical variation, residue mobility, and thermodynamic stability) has been performed for this missense variant. However, the output from this modeling did not meet the statistical confidence thresholds required to predict the impact of this variant on MFN2 protein function. In summary, the available evidence is currently insufficient to determine the role of this variant in disease. Therefore, it has been classified as a Variant of Uncertain Significance.

NM_014874.4(MFN2):c.1739C>T (p.Thr580Met)

Gene: MFN2 (mitofusin 2; plus strand). Cytogenetic location: 1p36.22.
Variant type: single nucleotide variant.
Coding change: c.1739C>T on transcript NM_014874.4 (MANE Select); coding-DNA position 1739, C replaced by T.
Protein change: p.Thr580Met; replaces threonine 580 with methionine.
Molecular consequence: missense variant.
Genome position (GRCh38, 1-based): chr1:12,006,560, C>T. VCF-style: chr1-12006560-C-T. GRCh37 (hg19) VCF-style: chr1-12066617-C-T.
Other names: c.1739C>T, p.Thr580Met (NM_001127660.2); short protein forms T580M.
Identifiers: ClinVar variation 3013512 (VCV003013512.4), dbSNP rs150304304, ClinGen allele CA18012915.